The following is an entry in ClinVar:

NM_001024630.4(RUNX2):c.959C>T (p.Pro320Leu)

Gene: RUNX2 (RUNX family transcription factor 2; plus strand). Cytogenetic location: 6p21.1.
Variant type: single nucleotide variant.
Coding change: c.959C>T on transcript NM_001024630.4 (MANE Select); coding-DNA position 959, C replaced by T.
Protein change: p.Pro320Leu; replaces proline 320 with leucine.
Molecular consequence: missense variant.
Genome position (GRCh38, 1-based): chr6:45,512,345, C>T. VCF-style: chr6-45512345-C-T. GRCh37 (hg19) VCF-style: chr6-45480082-C-T.
Other names: c.959C>T, p.Pro320Leu (NM_001015051.4); c.917C>T, p.Pro306Leu (NM_001278478.2, NM_001369405.1, NM_004348.3); short protein forms P306L, P320L.
Identifiers: ClinVar variation 2662272 (VCV002662272.3), dbSNP rs746114073, ClinGen allele CA3836535.
Genomic context (GRCh38, chr6:45,512,345, plus strand): 5'-ACCAGTCTTACCCCTCCTACCTGAGCCAGATGACGTCCCCGTCCATCCACTCTACCACCC[C>T]GCTGTCTTCCACACGGGGCACTGGGCTTCCTGCCATCACCGATGTGCCTAGGCGCATTTC-3'
Protein context (NP_001019801.3, residues 310-330): MTSPSIHSTT[Pro320Leu]LSSTRGTGLP

ClinVar aggregate classification (germline): Uncertain significance. Review status: criteria provided, multiple submitters, no conflicts (2 of 4 stars). 2 submissions from 2 submitters: Uncertain significance (2). Last evaluated 2024-12-06.

Allele frequency attached by ClinVar (database versions not stated): gnomAD exomes 0.00002; TOPMed 0.00002; gnomAD 0.00003; ExAC 0.00006.
gnomAD v4.1: 36 of 1,614,048 alleles (0.0022%); highest among the groups gnomAD compares: African/African-American, 0.0093%; no homozygotes.

Submissions (2):

Labcorp Genetics (formerly Invitae), Labcorp
Classification: Uncertain significance. Last evaluated: 2024-12-06. Review status: criteria provided, single submitter. Criteria: Invitae Variant Classification Sherloc (09022015). Collection method: clinical testing. Allele origin: germline.
Comment: This sequence change replaces proline, which is neutral and non-polar, with leucine, which is neutral and non-polar, at codon 320 of the RUNX2 protein (p.Pro320Leu). This variant is present in population databases (rs746114073, gnomAD 0.005%). This variant has not been reported in the literature in individuals affected with RUNX2-related conditions. ClinVar contains an entry for this variant (Variation ID: 2662272). Invitae Evidence Modeling of protein sequence and biophysical properties (such as structural, functional, and spatial information, amino acid conservation, physicochemical variation, residue mobility, and thermodynamic stability) indicates that this missense variant is not expected to disrupt RUNX2 protein function with a negative predictive value of 80%. In summary, the available evidence is currently insufficient to determine the role of this variant in disease. Therefore, it has been classified as a Variant of Uncertain Significance.

GeneDx
Classification: Uncertain significance. Last evaluated: 2023-05-11. Review status: criteria provided, single submitter. Criteria: GeneDx Variant Classification Process June 2021. Collection method: clinical testing. Allele origin: germline. Affected: yes.
Comment: In silico analysis supports that this missense variant has a deleterious effect on protein structure/function; Has not been previously published as pathogenic or benign to our knowledge